The following is an entry in ClinVar:

ClinVar aggregate classification (germline): Pathogenic (1 of 4 stars; one submission).

Conditions:
Autosomal recessive limb-girdle muscular dystrophy type R18 (LGMDR18). Also called: Limb-girdle muscular dystrophy, type 2S; MUSCULAR DYSTROPHY, LIMB-GIRDLE, AUTOSOMAL RECESSIVE 18; Autosomal recessive limb-girdle muscular dystrophy type 2S. Identifiers: Orphanet 369840, MedGen C4517996, MONDO:0014144, OMIM 615356.

Submission:

Labcorp Genetics (formerly Invitae), Labcorp
Classification: Pathogenic for Autosomal recessive limb-girdle muscular dystrophy type R18. Last evaluated: 2026-01-12. Review status: criteria provided, single submitter. Criteria: Invitae Variant Classification Sherloc (09022015). Collection method: clinical testing. Allele origin: germline.
Comment: This sequence change creates a premature translational stop signal (p.Glu256*) in the TRAPPC11 gene. It is expected to result in an absent or disrupted protein product. Loss-of-function variants in TRAPPC11 are known to be pathogenic (PMID: 23830518, 26322222). This variant is not present in population databases (gnomAD no frequency). This variant has not been reported in the literature in individuals affected with TRAPPC11-related conditions. Algorithms developed to predict the effect of sequence changes on RNA splicing suggest that this variant may disrupt the consensus splice site. For these reasons, this variant has been classified as Pathogenic.

Literature cited by the submitters: PubMed 23830518; PubMed 26322222.

NM_021942.6(TRAPPC11):c.766G>T (p.Glu256Ter)

Gene: TRAPPC11 (trafficking protein particle complex subunit 11; plus strand). Cytogenetic location: 4q35.1.
Variant type: single nucleotide variant.
Coding change: c.766G>T on transcript NM_021942.6 (MANE Select); coding-DNA position 766, G replaced by T.
Protein change: p.Glu256Ter; replaces glutamic acid 256 with a stop codon.
Molecular consequence: nonsense.
Genome position (GRCh38, 1-based): chr4:183,677,489, G>T. VCF-style: chr4-183677489-G-T. GRCh37 (hg19) VCF-style: chr4-184598642-G-T.
Other names: c.766G>T, p.Glu256Ter (NM_199053.3); short protein forms E256*.
Identifiers: ClinVar variation 4735217 (VCV004735217.1).